The following is an entry in ClinVar:

ClinVar aggregate classification (germline): Uncertain significance (1 of 4 stars; one submission).

Conditions:
Medium-chain acyl-coenzyme A dehydrogenase deficiency (ACADMD). Also called: Medium chain acyl-CoA dehydrogenase deficiency; MCADD; MCAD Deficiency; ACADM DEFICIENCY; CARNITINE DEFICIENCY SECONDARY TO MEDIUM-CHAIN ACYL-CoA DEHYDROGENASE DEFICIENCY; MCADH DEFICIENCY. Identifiers: Orphanet 42, MedGen C0220710, MONDO:0008721, OMIM 201450.

Allele frequency attached by ClinVar (database versions not stated): gnomAD exomes below 0.00001; gnomAD 0.00001.
gnomAD v4.1: 3 of 1,606,358 alleles (0.00019%); highest among the groups gnomAD compares: Non-Finnish European, 0.00017%; no homozygotes.

Submission:

Labcorp Genetics (formerly Invitae), Labcorp
Classification: Uncertain significance for Medium-chain acyl-coenzyme A dehydrogenase deficiency. Last evaluated: 2020-01-17. Review status: criteria provided, single submitter. Criteria: Invitae Variant Classification Sherloc (09022015). Collection method: clinical testing. Allele origin: germline.
Comment: This sequence change falls in intron 2 of the ACADM gene. It does not directly change the encoded amino acid sequence of the ACADM protein. This variant is not present in population databases (ExAC no frequency). This variant has been observed in individual(s) with medium-chain acyl-CoA dehydrogenase deficiency (MCADD) (PMID: 22542437). In at least one individual the data is consistent with the variant being in trans (on the opposite chromosome) from a pathogenic variant. Algorithms developed to predict the effect of sequence changes on RNA splicing suggest that this variant may create or strengthen a splice site, but this prediction has not been confirmed by published transcriptional studies. In summary, the available evidence is currently insufficient to determine the role of this variant in disease. Therefore, it has been classified as a Variant of Uncertain Significance.

Literature cited by the submitters: PubMed 22542437.

NM_000016.6(ACADM):c.119-12A>G

Gene: ACADM (acyl-CoA dehydrogenase medium chain; plus strand). Cytogenetic location: 1p31.1.
Variant type: single nucleotide variant.
Coding change: c.119-12A>G on transcript NM_000016.6 (MANE Select); 12 bases into the intron before coding-DNA position 119, A replaced by G.
Molecular consequence: intron variant.
Genome position (GRCh38, 1-based): chr1:75,732,632, A>G. VCF-style: chr1-75732632-A-G. GRCh37 (hg19) VCF-style: chr1-76198317-A-G.
Other names: c.131-12A>G (NM_001127328.3); c.119-12A>G (NM_001286043.2); c.11-12A>G (NM_001286042.2); c.-267-12A>G (NM_001286044.2).
Identifiers: ClinVar variation 2202771 (VCV002202771.1), dbSNP rs755318101, ClinGen allele CA24622805.
Genomic context (GRCh38, chr1:75,732,632, plus strand): 5'-TCTACATACTGACTTCATAGGACATTTTTCCTTGTTATCCAGTTTTAACTTTTCTAAATA[A>G]TTTTCCCTTAGAGTTCACCGAACAGCAGAAAGAATTTCAAGCTACTGCTCGTAAATTTGC-3'